The following is an entry in ClinVar:

NM_002241.5(KCNJ10):c.400C>T (p.Arg134Cys)

Gene: KCNJ10 (potassium inwardly rectifying channel subfamily J member 10; minus strand). Cytogenetic location: 1q23.2.
Variant type: single nucleotide variant.
Coding change: c.400C>T on transcript NM_002241.5 (MANE Select); coding-DNA position 400, C replaced by T.
Protein change: p.Arg134Cys; replaces arginine 134 with cysteine.
Molecular consequence: missense variant.
Genome position (GRCh38, 1-based): chr1:160,042,133, G>A on the plus strand (C>T on the coding strand, the complement: KCNJ10 is on the minus strand). VCF-style: chr1-160042133-G-A. GRCh37 (hg19) VCF-style: chr1-160011923-G-A.
Other names: short protein forms R134C.
Identifiers: ClinVar variation 3358880 (VCV003358880.3).

ClinVar aggregate classification (germline): Conflicting classifications of pathogenicity. Review status: criteria provided, conflicting classifications (1 of 4 stars). 2 submissions from 2 submitters: Likely pathogenic (1); Uncertain significance (1). Last evaluated 2025-10-01.

Conditions:
Episodic kinesigenic dyskinesia (EKD). Also called: Paroxysmal kinesigenic dyskinesia. Identifiers: Orphanet 98809, MedGen C1868682, MONDO:0044202.
EAST syndrome (SESAMES). Also called: SEIZURES, SENSORINEURAL DEAFNESS, ATAXIA, IMPAIRED INTELLECTUAL DEVELOPMENT, AND ELECTROLYTE IMBALANCE. Identifiers: Orphanet 199343, MedGen C2748572, MONDO:0013005, OMIM 612780.

Submissions (2):

Concord Molecular Medicine Laboratory, Concord Repatriation General Hospital
Classification: Likely pathogenic for Episodic kinesigenic dyskinesia. Last evaluated: 2025-10-01. Review status: criteria provided, single submitter. Criteria: ACMG Guidelines, 2015. Collection method: clinical testing. Allele origin: germline. Inheritance: Autosomal dominant inheritance. Affected: yes. Observed: 1 heterozygote.
Comment: The variant is detected at very low frequency in control population database (VAF 0.0005%, gnomAD v4.1.0). The variant is at close proximity to the intramembrane part of the extracellular domain of human Kir4.1. A different missense variant at the same codon has been reported as likely pathogenic. In silico analysis suggested this variant to be pathogenic (REVEL 0.9).

Labcorp Genetics (formerly Invitae), Labcorp
Classification: Uncertain significance for EAST syndrome. Last evaluated: 2025-08-12. Review status: criteria provided, single submitter. Criteria: Invitae Variant Classification Sherloc (09022015). Collection method: clinical testing. Allele origin: germline.
Comment: This sequence change replaces arginine, which is basic and polar, with cysteine, which is neutral and slightly polar, at codon 134 of the KCNJ10 protein (p.Arg134Cys). This variant is not present in population databases (gnomAD no frequency). This variant has not been reported in the literature in individuals affected with KCNJ10-related conditions. ClinVar contains an entry for this variant (Variation ID: 3358880). Invitae Evidence Modeling of protein sequence and biophysical properties (such as structural, functional, and spatial information, amino acid conservation, physicochemical variation, residue mobility, and thermodynamic stability) indicates that this missense variant is expected to disrupt KCNJ10 protein function with a positive predictive value of 95%. In summary, the available evidence is currently insufficient to determine the role of this variant in disease. Therefore, it has been classified as a Variant of Uncertain Significance.

Literature cited by the submitters: PubMed 38979912 (cited by Concord Molecular Medicine Laboratory, Concord Repatriation General Hospital).